The following is an entry in ClinVar:

ClinVar aggregate classification (germline): Pathogenic/Likely pathogenic. Review status: criteria provided, multiple submitters, no conflicts (2 of 4 stars). 3 submissions from 3 submitters: Pathogenic (1); Likely pathogenic (1). 1 of the submissions does not count toward it. Last evaluated 2022-09-20.

Conditions:
X-linked agammaglobulinemia (XLA). Also called: IMMUNODEFICIENCY 1; Agammaglobulinemia, Bruton tyrosine kinase; Agammaglobulinemia, BTK; BTK-deficiency; Bruton's agammaglobulinemia; AGAMMAGLOBULINEMIA, X-LINKED, TYPE 1. Identifiers: Orphanet 229717, Orphanet 47, MedGen C0221026, MONDO:0010421, OMIM 300755.
X-linked agammaglobulinemia with growth hormone deficiency (IGHD3). Also called: HYPOGAMMAGLOBULINEMIA AND ISOLATED GROWTH HORMONE DEFICIENCY, X-LINKED; IGHD III; Isolated growth hormone deficiency type 3; Growth hormone deficiency with hypogammaglobulinemia; AGAMMAGLOBULINEMIA AND ISOLATED GROWTH HORMONE DEFICIENCY, X-LINKED; ISOLATED GROWTH HORMONE DEFICIENCY, TYPE III, WITH AGAMMAGLOBULINEMIA. Identifiers: Orphanet 231692, Orphanet 631, MedGen C0472813, MONDO:0010615, OMIM 307200.

Submissions (4):

Labcorp Genetics (formerly Invitae), Labcorp
Classification: Pathogenic for X-linked agammaglobulinemia with growth hormone deficiency. Last evaluated: 2022-09-20. Review status: criteria provided, single submitter. Criteria: Invitae Variant Classification Sherloc (09022015). Collection method: clinical testing. Allele origin: germline.
Comment: Studies have shown that disruption of this splice site results in activation of a cryptic splice site and introduces a premature termination codon (PMID: 7849721). The resulting mRNA is expected to undergo nonsense-mediated decay. For these reasons, this variant has been classified as Pathogenic. This sequence change affects an acceptor splice site in intron 12 of the BTK gene. RNA analysis indicates that disruption of this splice site induces altered splicing and may result in an absent or disrupted protein product. This variant is not present in population databases (gnomAD no frequency). Disruption of this splice site has been observed in individuals with agammaglobulinemia (PMID: 7849721; Invitae). ClinVar contains an entry for this variant (Variation ID: 811384).

ARUP Laboratories, Molecular Genetics and Genomics, ARUP Laboratories
Classification: Likely pathogenic. Last evaluated: 2019-05-03. Review status: criteria provided, single submitter. Criteria: ARUP Molecular Germline Variant Investigation Process. Collection method: clinical testing. Allele origin: germline.
Comment: The BTK c.1103-2A>G variant, to our knowledge, is not reported in the medical literature or gene specific databases. The c.1103-2A>G variant is absent from general population databases (Exome Variant Server, Genome Aggregation Database), indicating it is not a common polymorphism. This variant disrupts the canonical splice acceptor site of intron 12, which is likely to negatively impact gene function. Based on available information, this variant is considered to be likely pathogenic.

OMIM
Classification: Pathogenic for AGAMMAGLOBULINEMIA, X-LINKED. Last evaluated: 1994-10-01. Review status: no assertion criteria provided. Collection method: literature only. Allele origin: germline. Not counted in ClinVar's aggregate classification.

Dr. Peter K. Rogan Lab, Western University
No classification provided (evidence only). Condition: Thyroid cancer, nonmedullary, 1. Review status: no classification provided. Collection method: in vitro. Allele origin: not applicable. Functional consequence: retained intron. Not counted in ClinVar's aggregate classification.

Literature cited by the submitters: PubMed 7849721 (cited by Labcorp Genetics (formerly Invitae), Labcorp and OMIM).

NM_000061.3(BTK):c.1103-2A>G

Gene: BTK (Bruton tyrosine kinase; minus strand). Cytogenetic location: Xq22.1.
Variant type: single nucleotide variant.
Coding change: c.1103-2A>G on transcript NM_000061.3 (MANE Select); the canonical splice acceptor site of the intron before coding-DNA position 1103, A replaced by G.
Molecular consequence: splice acceptor variant. On other transcripts: intron variant (1).
Genome position (GRCh38, 1-based): chrX:101,357,585, T>C on the plus strand (A>G on the coding strand, the complement: BTK is on the minus strand). VCF-style: chrX-101357585-T-C. GRCh37 (hg19) VCF-style: chrX-100612573-T-C.
Other names: IVS12AS, A-T, -2; c.1205-2A>G (NM_001287344.2); c.1038+789A>G (NM_001287345.2).
Identifiers: ClinVar variation 811384 (VCV000811384.14), dbSNP rs1603005659, ClinGen allele CA413926707.